The following is an entry in ClinVar:

NM_001042492.3(NF1):c.4265A>G (p.Tyr1422Cys)

Gene: NF1 (neurofibromin 1; plus strand). Cytogenetic location: 17q11.2.
Variant type: single nucleotide variant.
Coding change: c.4265A>G on transcript NM_001042492.3 (MANE Select); coding-DNA position 4265, A replaced by G.
Protein change: p.Tyr1422Cys; replaces tyrosine 1422 with cysteine.
Molecular consequence: missense variant.
Genome position (GRCh38, 1-based): chr17:31,258,435, A>G. VCF-style: chr17-31258435-A-G. GRCh37 (hg19) VCF-style: chr17-29585453-A-G.
Other names: c.4202A>G, p.Tyr1401Cys (NM_000267.4); short protein forms Y1401C, Y1422C.
Identifiers: ClinVar variation 481996 (VCV000481996.7), dbSNP rs1555618544, ClinGen allele CA398997943.

ClinVar aggregate classification (germline): Uncertain significance. Review status: criteria provided, multiple submitters, no conflicts (2 of 4 stars). 2 submissions from 2 submitters: Uncertain significance (2). Last evaluated 2025-07-29.

Conditions:
Cardiovascular phenotype. Identifiers: MedGen CN230736.
Hereditary cancer-predisposing syndrome. Also called: Hereditary neoplastic syndrome; Neoplastic Syndromes, Hereditary; Tumor predisposition; Hereditary Cancer Syndrome. Identifiers: Orphanet 140162, MedGen C0027672, MeSH D009386, MONDO:0015356.
Neurofibromatosis, type 1 (NF1). Also called: VON RECKLINGHAUSEN DISEASE; Peripheral type neurofibromatosis; NEUROFIBROMATOSIS, TYPE I, SOMATIC; Neurofibromatosis, type I. Identifiers: Orphanet 636, MedGen C0027831, MONDO:0018975, OMIM 162200. Disease mechanism: loss of function.

Submissions (2):

Labcorp Genetics (formerly Invitae), Labcorp
Classification: Uncertain significance for Neurofibromatosis, type 1. Last evaluated: 2025-07-29. Review status: criteria provided, single submitter. Criteria: Invitae Variant Classification Sherloc (09022015). Collection method: clinical testing. Allele origin: germline.
Comment: This sequence change replaces tyrosine, which is neutral and polar, with cysteine, which is neutral and slightly polar, at codon 1401 of the NF1 protein (p.Tyr1401Cys). This variant is not present in population databases (gnomAD no frequency). This variant has not been reported in the literature in individuals affected with NF1-related conditions. ClinVar contains an entry for this variant (Variation ID: 481996). Invitae Evidence Modeling of protein sequence and biophysical properties (such as structural, functional, and spatial information, amino acid conservation, physicochemical variation, residue mobility, and thermodynamic stability) indicates that this missense variant is expected to disrupt NF1 protein function with a positive predictive value of 95%. In summary, the available evidence is currently insufficient to determine the role of this variant in disease. Therefore, it has been classified as a Variant of Uncertain Significance.

Ambry Genetics
Classification: Uncertain significance for Cardiovascular phenotype; Hereditary cancer-predisposing syndrome. Last evaluated: 2022-11-28. Review status: criteria provided, single submitter. Criteria: Ambry Variant Classification Scheme 2023. Collection method: clinical testing. Allele origin: germline.
Comment: The p.Y1401C variant (also known as c.4202A>G), located in coding exon 31 of the NF1 gene, results from an A to G substitution at nucleotide position 4202. The tyrosine at codon 1401 is replaced by cysteine, an amino acid with highly dissimilar properties. This amino acid position is highly conserved in available vertebrate species. In addition, this alteration is predicted to be deleterious by in silico analysis. Since supporting evidence is limited at this time, the clinical significance of this alteration remains unclear.